The following is an entry in ClinVar:

ClinVar aggregate classification (germline): Uncertain significance. Review status: criteria provided, multiple submitters, no conflicts (2 of 4 stars). 2 submissions from 2 submitters: Uncertain significance (2). Last evaluated 2025-05-26.

Conditions:
Inborn genetic diseases. Identifiers: MedGen C0950123, MeSH D030342.

Allele frequency attached by ClinVar (database versions not stated): ExAC 0.00001; TOPMed 0.00001.
gnomAD v4.1: 1 of 1,614,038 alleles (0.000062%); highest among the groups gnomAD compares: Admixed American, 0.0017%; no homozygotes.

Submissions (2):

Ambry Genetics
Classification: Uncertain significance for Inborn genetic diseases. Last evaluated: 2025-05-26. Review status: criteria provided, single submitter. Criteria: Ambry Variant Classification Scheme 2023. Collection method: clinical testing. Allele origin: germline.

Labcorp Genetics (formerly Invitae), Labcorp
Classification: Uncertain significance. Last evaluated: 2023-11-19. Review status: criteria provided, single submitter. Criteria: Invitae Variant Classification Sherloc (09022015). Collection method: clinical testing. Allele origin: germline.
Comment: This sequence change replaces asparagine, which is neutral and polar, with threonine, which is neutral and polar, at codon 669 of the TAB2 protein (p.Asn669Thr). This variant is present in population databases (rs773658843, gnomAD 0.003%). This variant has not been reported in the literature in individuals affected with TAB2-related conditions. Advanced modeling of protein sequence and biophysical properties (such as structural, functional, and spatial information, amino acid conservation, physicochemical variation, residue mobility, and thermodynamic stability) performed at Invitae indicates that this missense variant is not expected to disrupt TAB2 protein function with a negative predictive value of 80%. In summary, the available evidence is currently insufficient to determine the role of this variant in disease. Therefore, it has been classified as a Variant of Uncertain Significance.

NM_001292034.3(TAB2):c.2006A>C (p.Asn669Thr)

Gene: TAB2 (TGF-beta activated kinase 1 (MAP3K7) binding protein 2; plus strand). Cytogenetic location: 6q25.1.
Variant type: single nucleotide variant.
Coding change: c.2006A>C on transcript NM_001292034.3 (MANE Select); coding-DNA position 2006, A replaced by C.
Protein change: p.Asn669Thr; replaces asparagine 669 with threonine.
Molecular consequence: missense variant.
Genome position (GRCh38, 1-based): chr6:149,409,643, A>C. VCF-style: chr6-149409643-A-C. GRCh37 (hg19) VCF-style: chr6-149730779-A-C.
Other names: c.2006A>C (NM_015093.4); c.1910A>C, p.Asn637Thr (NM_001292035.3); c.2006A>C, p.Asn669Thr (NM_001369506.1, NM_015093.6); short protein forms N669T, N637T.
Identifiers: ClinVar variation 2792264 (VCV002792264.4), dbSNP rs773658843, ClinGen allele CA4041782.